The following is an entry in ClinVar:

NM_022772.4(EPS8L2):c.13G>A (p.Gly5Arg)

Gene: EPS8L2 (EPS8 signaling adaptor L2; plus strand). Cytogenetic location: 11p15.5.
Variant type: single nucleotide variant.
Coding change: c.13G>A on transcript NM_022772.4 (MANE Select); coding-DNA position 13, G replaced by A.
Protein change: p.Gly5Arg; replaces glycine 5 with arginine.
Molecular consequence: missense variant.
Genome position (GRCh38, 1-based): chr11:709,420, G>A. VCF-style: chr11-709420-G-A. GRCh37 (hg19) VCF-style: chr11-709420-G-A.
Other names: c.13G>A (NM_022772.3); short protein forms G5R.
Identifiers: ClinVar variation 1510864 (VCV001510864.39), dbSNP rs375020679, ClinGen allele CA5786958.

ClinVar aggregate classification (germline): Uncertain significance. Review status: criteria provided, multiple submitters, no conflicts (2 of 4 stars). 5 submissions from 5 submitters: Uncertain significance (4). 1 of the submissions does not count toward it. Last evaluated 2024-11-11.

Conditions:
Meniere disease. Also called: Ménière's disease. Identifiers: MedGen C0025281, MONDO:0007972, OMIM 156000.

Allele frequency attached by ClinVar (database versions not stated): ExAC 0.00008; ESP Exome Variant Server 0.00008; gnomAD exomes 0.00008; TOPMed 0.00010; gnomAD 0.00011 and 0.00012.
gnomAD v4.1: 267 of 1,591,752 alleles (0.017%); highest among the groups gnomAD compares: Non-Finnish European, 0.021%; no homozygotes.

Submissions (5):

Blueprint Genetics
Classification: Uncertain significance. Last evaluated: 2024-11-11. Review status: criteria provided, single submitter. Criteria: ACMG Guidelines, 2015. Collection method: clinical testing. Allele origin: germline.

CeGaT Center for Human Genetics Tuebingen
Classification: Uncertain significance. Last evaluated: 2022-02-01. Review status: criteria provided, single submitter. Criteria: CeGaT Center For Human Genetics Tuebingen Variant Classification Criteria Version 2. Collection method: clinical testing. Allele origin: germline. Affected: yes. Observed: 1 variant allele.

Ambry Genetics
Classification: Uncertain significance. Last evaluated: 2021-10-06. Review status: criteria provided, single submitter. Criteria: Ambry Variant Classification Scheme 2023. Collection method: clinical testing. Allele origin: germline.

Labcorp Genetics (formerly Invitae), Labcorp
Classification: Uncertain significance. Last evaluated: 2021-04-17. Review status: criteria provided, single submitter. Criteria: Invitae Variant Classification Sherloc (09022015). Collection method: clinical testing. Allele origin: germline.
Comment: In summary, the available evidence is currently insufficient to determine the role of this variant in disease. Therefore, it has been classified as a Variant of Uncertain Significance. Algorithms developed to predict the effect of missense changes on protein structure and function are either unavailable or do not agree on the potential impact of this missense change (SIFT: "Tolerated"; PolyPhen-2: "Probably Damaging"; Align-GVGD: "Class C0"). This variant has not been reported in the literature in individuals with EPS8L2-related conditions. This variant is present in population databases (rs375020679, ExAC 0.02%). This sequence change replaces glycine with arginine at codon 5 of the EPS8L2 protein (p.Gly5Arg). The glycine residue is moderately conserved and there is a moderate physicochemical difference between glycine and arginine.

Center for Computational Biology & Bioinformatics, University of California, San Diego
Classification: Uncertain significance for Meniere disease. Last evaluated: 2024-06-03. Review status: no assertion criteria provided. Collection method: research. Allele origin: germline. Affected: yes. Not counted in ClinVar's aggregate classification.